The following is an entry in ClinVar:

NM_005993.5(TBCD):c.1984-8A>G

Gene: TBCD (tubulin folding cofactor D). Cytogenetic location: 17q25.3.
Variant type: single nucleotide variant.
Coding change: c.1984-8A>G on transcript NM_005993.5 (MANE Select); 8 bases into the intron before coding-DNA position 1984, A replaced by G.
Molecular consequence: intron variant.
Genome position (GRCh38, 1-based): chr17:82,909,277, A>G. VCF-style: chr17-82909277-A-G. GRCh37 (hg19) VCF-style: chr17-80867153-A-G.
Other names: p.?; c.1984-8A>G (NM_005993.4).
Identifiers: ClinVar variation 1169211 (VCV001169211.14), dbSNP rs72861530, ClinGen allele CA8862863.

ClinVar aggregate classification (germline): Benign. Review status: criteria provided, multiple submitters, no conflicts (2 of 4 stars). 5 submissions from 5 submitters: Benign (4). 1 of the submissions does not count toward it. Last evaluated 2026-02-04.

Conditions:
TBCD-related disorder. Also called: TBCD-related condition.

Allele frequency attached by ClinVar (database versions not stated): 1000 Genomes Project 0.03754; 1000 Genomes Project 30x 0.03795; gnomAD 0.06597 and 0.06822; TOPMed 0.06685; ESP Exome Variant Server 0.06910; gnomAD exomes 0.06979 and 0.08326; ExAC 0.07142.
gnomAD v4.1: 122,871 of 1,507,294 alleles (8.2%); highest among the groups gnomAD compares: Middle Eastern, 9.4%; 5,618 homozygotes.

Submissions (5):

Labcorp Genetics (formerly Invitae), Labcorp
Classification: Benign. Last evaluated: 2026-02-04. Review status: criteria provided, single submitter. Criteria: Invitae Variant Classification Sherloc (09022015). Collection method: clinical testing. Allele origin: germline.

Blueprint Genetics
Classification: Benign. Last evaluated: 2024-11-27. Review status: criteria provided, single submitter. Criteria: ACMG Guidelines, 2015. Collection method: clinical testing. Allele origin: germline.

Mayo Clinic Laboratories, Mayo Clinic
Classification: Benign. Last evaluated: 2022-03-24. Review status: criteria provided, single submitter. Criteria: ACMG Guidelines, 2015. Collection method: clinical testing. Allele origin: germline. Observed: 43 variant alleles.

Breakthrough Genomics
Classification: Benign. Review status: criteria provided, single submitter. Criteria: ACMG Guidelines, 2015. Collection method: not provided. Allele origin: germline. Inheritance: Autosomal recessive inheritance. Affected: yes.

PreventionGenetics, part of Exact Sciences
Classification: Benign for TBCD-related condition. Last evaluated: 2019-10-28. Review status: no assertion criteria provided. Collection method: clinical testing. Allele origin: germline. Not counted in ClinVar's aggregate classification.
Comment: This variant is classified as benign based on ACMG/AMP sequence variant interpretation guidelines (Richards et al. 2015 PMID: 25741868, with internal and published modifications).